The following is an entry in ClinVar:

ClinVar aggregate classification (germline): Pathogenic (1 of 4 stars; one submission).

Conditions:
Cardiovascular phenotype. Identifiers: MedGen CN230736.

Submission:

Ambry Genetics
Classification: Pathogenic for Cardiovascular phenotype. Last evaluated: 2026-04-04. Review status: criteria provided, single submitter. Criteria: Ambry Variant Classification Scheme 2023. Collection method: clinical testing. Allele origin: germline.
Comment: The c.3297dupT (p.E1100*) alteration, located in exon 29 (coding exon 29) of the ANK2 gene, consists of a duplication of T at position 3297, causing a translational frameshift with a predicted alternate stop codon after amino acids. This variant is expected to result in loss of function by premature protein truncation or nonsense-mediated mRNA decay. This variant was not reported in population-based cohorts in the Genome Aggregation Database (gnomAD). Based on the available evidence, this alteration is classified as pathogenic.

NM_001148.6(ANK2):c.3297dup (p.Glu1100Ter)

Gene: ANK2 (ankyrin 2; plus strand). Cytogenetic location: 4q26.
Variant type: Duplication.
Coding change: c.3297dup on transcript NM_001148.6 (MANE Select); coding-DNA position 3297, one base duplicated (T; older notation c.3297dupT).
Protein change: p.Glu1100Ter; replaces glutamic acid 1100 with a stop codon.
Molecular consequence: nonsense. On other transcripts: frameshift variant (1).
Genome position (GRCh38, 1-based): chr4:113,333,126, T duplicated. VCF-style (leftmost placement, unchanged base first): chr4-113333125-G-GT. GRCh37 (hg19) VCF-style: chr4-114254281-G-GT.
Other names: c.3270dup, p.Glu1091Ter (NM_001127493.3); c.3309dup, p.Glu1104Ter (NM_001354225.2); c.3198dup, p.Glu1067Ter (NM_001354228.2, NM_001354258.2); c.3276dup, p.Glu1093Ter (NM_001354230.2); c.3339dup, p.Glu1114Ter (NM_001354231.2, NM_001354242.2); c.3333dup, p.Glu1112Ter (NM_001354232.2); c.3294dup, p.Glu1099Ter (NM_001354235.2, NM_001354246.2, NM_001354265.2); c.3195dup, p.Glu1066Ter (NM_001354236.2); and 29 more; short protein forms E1000*, E1005*, E1013*, E1025*, E1029*, E1033*, E1034*, E1038*.
Identifiers: ClinVar variation 4858401 (VCV004858401.1).